The following is an entry in ClinVar:

NM_001080508.3(TBX18):c.1701G>C (p.Gln567His)

Gene: TBX18 (T-box transcription factor 18; minus strand). Cytogenetic location: 6q14.3.
Variant type: single nucleotide variant.
Coding change: c.1701G>C on transcript NM_001080508.3 (MANE Select); coding-DNA position 1701, G replaced by C.
Protein change: p.Gln567His; replaces glutamine 567 with histidine.
Molecular consequence: missense variant.
Genome position (GRCh38, 1-based): chr6:84,736,808, C>G on the plus strand (G>C on the coding strand, the complement: TBX18 is on the minus strand). VCF-style: chr6-84736808-C-G. GRCh37 (hg19) VCF-style: chr6-85446526-C-G.
Other names: short protein forms Q567H.
Identifiers: ClinVar variation 2656732 (VCV002656732.24), dbSNP rs2481835908, ClinGen allele CA364893438.

ClinVar aggregate classification (germline): Uncertain significance (1 of 4 stars; one submission).

Allele frequency attached by ClinVar (database versions not stated): gnomAD exomes below 0.00001.
gnomAD v4.1: 1 of 1,614,152 alleles (0.000062%); highest among the groups gnomAD compares: Non-Finnish European, 0.000085%; no homozygotes.

Submission:

CeGaT Center for Human Genetics Tuebingen
Classification: Uncertain significance. Last evaluated: 2023-03-01. Review status: criteria provided, single submitter. Criteria: CeGaT Center For Human Genetics Tuebingen Variant Classification Criteria Version 2. Collection method: clinical testing. Allele origin: germline. Affected: yes. Observed: 1 variant allele.
Comment: TBX18: PM2